The following is an entry in ClinVar:

ClinVar aggregate classification (germline): Pathogenic (1 of 4 stars; one submission).

Conditions:
Myofibrillar myopathy 5. Also called: FILAMINOPATHY, AUTOSOMAL DOMINANT; Filaminopathy (type). Identifiers: Orphanet 171445, MedGen C1836050, MONDO:0012289, OMIM 609524.
Distal myopathy with posterior leg and anterior hand involvement. Also called: WILLIAMS DISTAL MYOPATHY. Identifiers: Orphanet 63273, MedGen C3279722, MONDO:0013550, OMIM 614065.
Hypertrophic cardiomyopathy 26. Also called: Cardiomyopathy, familial hypertrophic, 26. Identifiers: Orphanet 75249, MedGen C4310749, MONDO:0014883, OMIM 617047.

Submission:

Labcorp Genetics (formerly Invitae), Labcorp
Classification: Pathogenic for Distal myopathy with posterior leg and anterior hand involvement; Myofibrillar myopathy 5; Hypertrophic cardiomyopathy 26. Last evaluated: 2021-04-23. Review status: criteria provided, single submitter. Criteria: Invitae Variant Classification Sherloc (09022015). Collection method: clinical testing. Allele origin: germline.
Comment: For these reasons, this variant has been classified as Pathogenic. This variant has not been reported in the literature in individuals with FLNC-related conditions. This variant is not present in population databases (ExAC no frequency). This sequence change creates a premature translational stop signal (p.Asp2504Thrfs*25) in the FLNC gene. It is expected to result in an absent or disrupted protein product. Loss-of-function variants in FLNC are known to be pathogenic (PMID: 27908349).

Literature cited by the submitters: PubMed 27908349.

NM_001458.5(FLNC):c.7510del (p.Asp2504fs)

Genes: FLNC (filamin C; plus strand), FLNC-AS1 (FLNC antisense RNA 1; minus strand). Cytogenetic location: 7q32.1.
Variant type: Deletion.
Coding change: c.7510del on transcript NM_001458.5 (MANE Select); coding-DNA position 7510, one base deleted (G; older notation c.7510delG).
Protein change: p.Asp2504fs; shifts the reading frame from aspartic acid 2504.
Molecular consequence: frameshift variant.
Genome position (GRCh38, 1-based): chr7:128,856,870, G deleted; the last of 4 consecutive G bases (chr7:128,856,867-128,856,870); deleting any one gives the same sequence. VCF-style (leftmost placement, unchanged base first): chr7-128856866-TG-T. GRCh37 (hg19) VCF-style: chr7-128496920-TG-T.
Other names: c.7411del, p.Asp2471fs (NM_001127487.2); short protein forms D2471fs, D2504fs.
Identifiers: ClinVar variation 1427666 (VCV001427666.6), dbSNP rs2128940259, ClinGen allele CA2573141636.